The following is an entry in ClinVar:

NM_005055.5(RAPSN):c.133_136dup (p.Leu46fs)

Gene: RAPSN (receptor associated protein of the synapse; minus strand). Cytogenetic location: 11p11.2.
Variant type: Duplication.
Coding change: c.133_136dup on transcript NM_005055.5 (MANE Select); coding-DNA positions 133 to 136, 4 bases duplicated (GTGC; older notation c.133_136dupGTGC).
Protein change: p.Leu46fs; shifts the reading frame from leucine 46.
Molecular consequence: frameshift variant.
Genome position (GRCh38, 1-based): chr11:47,448,829-47,448,832, GCAC duplicated on the plus strand (GTGC on the coding strand, the reverse complement: RAPSN is on the minus strand); duplicating any 4 consecutive bases within chr11:47,448,829-47,448,834 gives the same sequence; the c. name uses the placement nearest the transcript's 3' end. VCF-style (leftmost placement, unchanged base first): chr11-47448828-A-AGCAC. GRCh37 (hg19) VCF-style: chr11-47470380-A-AGCAC.
Other names: c.133_136dup, p.Leu46fs (NM_001440490.1, NM_001440491.1, NM_001440492.1 and 13 more transcripts); short protein forms L46fs.
Identifiers: ClinVar variation 5015451 (VCV005015451.1).

ClinVar aggregate classification (germline): Pathogenic (1 of 4 stars; one submission).

Conditions:
RAPSN-related disorder. Also called: RAPSN-related condition; RAPSN-related disorders. Identifiers: MedGen CN239397.

Submission:

Myriad Genetics, Inc.
Classification: Pathogenic for RAPSN-related disorder. Last evaluated: 2026-01-20. Review status: criteria provided, single submitter. Criteria: Myriad Autosomal Dominant, Autosomal Recessive and X-Linked Classification Criteria (2023). Collection method: clinical testing. Allele origin: unknown.
Comment: NM_005055.4(RAPSN):c.133_136dupGTGC(L46Rfs*113) is expected to be pathogenic in the context of RAPSN-related disorders. This variant is predicted to lead to an abnormal or absent protein product due to the creation of a premature termination codon in RAPSN, a gene where loss-of-function variants are known to be pathogenic. Please note: this variant was assessed in the context of healthy population screening.